The following is an entry in ClinVar:

ClinVar aggregate classification (germline): Uncertain significance (1 of 4 stars; one submission).

Conditions:
DICER1-related tumor predisposition. Also called: DICER1-related pleuropulmonary blastoma cancer predisposition syndrome; DICER1 syndrome. Identifiers: Orphanet 284343, MedGen C3839822, MONDO:0100216.

Allele frequency attached by ClinVar (database versions not stated): gnomAD exomes below 0.00001.
gnomAD v4.1: 1 of 1,614,172 alleles (0.000062%); highest among the groups gnomAD compares: Non-Finnish European, 0.000085%; no homozygotes.

Submission:

Labcorp Genetics (formerly Invitae), Labcorp
Classification: Uncertain significance for DICER1-related tumor predisposition. Last evaluated: 2021-10-23. Review status: criteria provided, single submitter. Criteria: Invitae Variant Classification Sherloc (09022015). Collection method: clinical testing. Allele origin: germline.
Comment: This variant is not present in population databases (ExAC no frequency). This sequence change replaces phenylalanine with cysteine at codon 395 of the DICER1 protein (p.Phe395Cys). The phenylalanine residue is highly conserved and there is a large physicochemical difference between phenylalanine and cysteine. This variant has not been reported in the literature in individuals affected with DICER1-related conditions. In summary, the available evidence is currently insufficient to determine the role of this variant in disease. Therefore, it has been classified as a Variant of Uncertain Significance. Algorithms developed to predict the effect of missense changes on protein structure and function are either unavailable or do not agree on the potential impact of this missense change (SIFT: "Deleterious"; PolyPhen-2: "Probably Damaging"; Align-GVGD: "Class C0").

NM_177438.3(DICER1):c.1184T>G (p.Phe395Cys)

Gene: DICER1 (dicer 1, ribonuclease III; minus strand). Cytogenetic location: 14q32.13.
Variant type: single nucleotide variant.
Coding change: c.1184T>G on transcript NM_177438.3 (MANE Select); coding-DNA position 1184, T replaced by G.
Protein change: p.Phe395Cys; replaces phenylalanine 395 with cysteine.
Molecular consequence: missense variant.
Genome position (GRCh38, 1-based): chr14:95,124,388, A>C on the plus strand (T>G on the coding strand, the complement: DICER1 is on the minus strand). VCF-style: chr14-95124388-A-C. GRCh37 (hg19) VCF-style: chr14-95590725-A-C.
Other names: c.1184T>G, p.Phe395Cys (NM_001195573.1, NM_001271282.3, NM_001291628.2 and 1 more transcripts); short protein forms F395C.
Identifiers: ClinVar variation 1483961 (VCV001483961.7), dbSNP rs2140203876, ClinGen allele CA390886775.